The following is an entry in ClinVar:

ClinVar aggregate classification (germline): Uncertain significance (1 of 4 stars; one submission).

Allele frequency attached by ClinVar (database versions not stated): ExAC 0.00001; gnomAD 0.00001; TOPMed 0.00002.
gnomAD v4.1: 29 of 1,612,744 alleles (0.0018%); highest among the groups gnomAD compares: South Asian, 0.0044%; no homozygotes.

Submission:

Labcorp Genetics (formerly Invitae), Labcorp
Classification: Uncertain significance. Last evaluated: 2022-03-09. Review status: criteria provided, single submitter. Criteria: Invitae Variant Classification Sherloc (09022015). Collection method: clinical testing. Allele origin: germline.
Comment: In summary, the available evidence is currently insufficient to determine the role of this variant in disease. Therefore, it has been classified as a Variant of Uncertain Significance. Algorithms developed to predict the effect of missense changes on protein structure and function are either unavailable or do not agree on the potential impact of this missense change (SIFT: "Not Available"; PolyPhen-2: "Benign"; Align-GVGD: "Not Available"). This variant has not been reported in the literature in individuals affected with VPS13D-related conditions. This variant is present in population databases (rs763652762, gnomAD 0.003%). This sequence change replaces arginine, which is basic and polar, with histidine, which is basic and polar, at codon 3705 of the VPS13D protein (p.Arg3705His).

NM_015378.4(VPS13D):c.11114G>A (p.Arg3705His)

Gene: VPS13D (vacuolar protein sorting 13 homolog D; plus strand). Cytogenetic location: 1p36.22.
Variant type: single nucleotide variant.
Coding change: c.11114G>A on transcript NM_015378.4 (MANE Select); coding-DNA position 11114, G replaced by A.
Protein change: p.Arg3705His; replaces arginine 3705 with histidine.
Molecular consequence: missense variant.
Genome position (GRCh38, 1-based): chr1:12,379,520, G>A. VCF-style: chr1-12379520-G-A. GRCh37 (hg19) VCF-style: chr1-12439574-G-A.
Other names: c.11039G>A, p.Arg3680His (NM_018156.4); short protein forms R3705H, R3680H.
Identifiers: ClinVar variation 1904739 (VCV001904739.5), dbSNP rs763652762, ClinGen allele CA603868.
Genomic context (GRCh38, chr1:12,379,520, plus strand): 5'-ATGGTTCATTGTGTATTCCGTTTTCCAGATACGAGCCACTGATGCTGAGAAAGCCTGACC[G>A]CAGGCGAAGCACAACTCAGACGTGGAGTTTCCGAGAAGGAAAACTGACCTGTGGGTTACA-3'
Protein context (NP_056193.2, residues 3695-3715): YEPLMLRKPD[Arg3705His]RRSTTQTWSF